The following is an entry in ClinVar:

ClinVar aggregate classification (germline): Likely benign (0 of 4 stars; one submission).

Conditions:
KSR2-related disorder. Also called: KSR2-related condition.

gnomAD v4.1: 26 of 1,613,220 alleles (0.0016%); highest among the groups gnomAD compares: Admixed American, 0.0033%; no homozygotes.

Submission:

PreventionGenetics, part of Exact Sciences
Classification: Likely benign for KSR2-related condition. Last evaluated: 2021-06-28. Review status: no assertion criteria provided. Collection method: clinical testing. Allele origin: germline.
Comment: This variant is classified as likely benign based on ACMG/AMP sequence variant interpretation guidelines (Richards et al. 2015 PMID: 25741868, with internal and published modifications).

NM_173598.6(KSR2):c.525G>A (p.Thr175=)

Gene: KSR2 (kinase suppressor of ras 2; minus strand). Cytogenetic location: 12q24.23.
Variant type: single nucleotide variant.
Coding change: c.525G>A on transcript NM_173598.6 (MANE Select); coding-DNA position 525, G replaced by A.
Protein change: p.Thr175=; no amino-acid change (threonine 175 retained).
Molecular consequence: synonymous variant.
Genome position (GRCh38, 1-based): chr12:117,761,472, C>T on the plus strand (G>A on the coding strand, the complement: KSR2 is on the minus strand). VCF-style: chr12-117761472-C-T. GRCh37 (hg19) VCF-style: chr12-118199277-C-T.
Identifiers: ClinVar variation 3351191 (VCV003351191.1).